The following is an entry in ClinVar:

NM_001267550.2(TTN):c.1681A>G (p.Ile561Val)

Gene: TTN (titin; minus strand). Cytogenetic location: 2q31.2.
Variant type: single nucleotide variant.
Coding change: c.1681A>G on transcript NM_001267550.2 (MANE Select); coding-DNA position 1681, A replaced by G.
Protein change: p.Ile561Val; replaces isoleucine 561 with valine.
Molecular consequence: missense variant. On other transcripts: intron variant (3).
Genome position (GRCh38, 1-based): chr2:178,790,827, T>C on the plus strand (A>G on the coding strand, the complement: TTN is on the minus strand). VCF-style: chr2-178790827-T-C. GRCh37 (hg19) VCF-style: chr2-179655554-T-C.
Other names: c.1681A>G, p.Ile561Val (NM_001256850.1, NM_133378.4, NM_133379.5); c.1663-712A>G (NM_003319.4, NM_133437.4, NM_133432.3); short protein forms I561V.
Identifiers: ClinVar variation 2581616 (VCV002581616.1), dbSNP rs2533828516, ClinGen allele CA349508692.

ClinVar aggregate classification (germline): Uncertain significance (1 of 4 stars; one submission).

Submission:

Women's Health and Genetics/Laboratory Corporation of America, LabCorp
Classification: Uncertain significance. Last evaluated: 2023-08-09. Review status: criteria provided, single submitter. Criteria: LabCorp Variant Classification Summary - May 2015. Collection method: clinical testing. Allele origin: germline.
Comment: Variant summary: TTN c.1681A>G (p.Ile561Val) results in a conservative amino acid change located in the Z-disk region of the encoded protein sequence. Five of five in-silico tools predict a benign effect of the variant on protein function. The variant was absent in 251316 control chromosomes (gnomAD). The available data on variant occurrences in the general population are insufficient to allow any conclusion about variant significance. c.1681A>G has been reported in the literature in individuals affected with Cardiomyopathy and Long QT Syndrome (e.g. Campuzano_2015, Mademont-Soler_2017). These reports do not provide unequivocal conclusions about association of the variant with Dilated Cardiomyopathy. Co-occurrence with at least one other pathogenic variant have been reported in our lab (MYBPC3 c.2308+1G>A), providing supporting evidence for a benign role. To our knowledge, no experimental evidence demonstrating an impact on protein function has been reported. The following publications have been ascertained in the context of this evaluation (PMID: 26516846, 28771489). No submitters have cited clinical-significance assessments for this variant to ClinVar after 2014. Based on the evidence outlined above, the variant was classified as uncertain significance.

Literature cited by the submitters: PubMed 28771489; PubMed 26516846.